The following is an entry in ClinVar:

ClinVar aggregate classification (germline): Uncertain significance (1 of 4 stars; one submission).

Submission:

Labcorp Genetics (formerly Invitae), Labcorp
Classification: Uncertain significance. Last evaluated: 2022-04-08. Review status: criteria provided, single submitter. Criteria: Invitae Variant Classification Sherloc (09022015). Collection method: clinical testing. Allele origin: germline.
Comment: This sequence change replaces proline, which is neutral and non-polar, with serine, which is neutral and polar, at codon 659 of the RAI1 protein (p.Pro659Ser). Algorithms developed to predict the effect of missense changes on protein structure and function output the following: SIFT: "Tolerated"; PolyPhen-2: "Benign"; Align-GVGD: "Class C0". The serine amino acid residue is found in multiple mammalian species, which suggests that this missense change does not adversely affect protein function. In summary, the available evidence is currently insufficient to determine the role of this variant in disease. Therefore, it has been classified as a Variant of Uncertain Significance. This variant is not present in population databases (gnomAD no frequency). This variant has not been reported in the literature in individuals affected with RAI1-related conditions.

NM_030665.4(RAI1):c.1975C>T (p.Pro659Ser)

Gene: RAI1 (retinoic acid induced 1; plus strand). Cytogenetic location: 17p11.2.
Variant type: single nucleotide variant.
Coding change: c.1975C>T on transcript NM_030665.4 (MANE Select); coding-DNA position 1975, C replaced by T.
Protein change: p.Pro659Ser; replaces proline 659 with serine.
Molecular consequence: missense variant.
Genome position (GRCh38, 1-based): chr17:17,794,923, C>T. VCF-style: chr17-17794923-C-T. GRCh37 (hg19) VCF-style: chr17-17698237-C-T.
Other names: short protein forms P659S.
Identifiers: ClinVar variation 2421962 (VCV002421962.6), dbSNP rs2032173621, ClinGen allele CA398549653.